The following is an entry in ClinVar:

NM_000484.4(APP):c.1076G>C (p.Arg359Pro)

Gene: APP (amyloid beta precursor protein; minus strand). Cytogenetic location: 21q21.3.
Variant type: single nucleotide variant.
Coding change: c.1076G>C on transcript NM_000484.4 (MANE Select); coding-DNA position 1076, G replaced by C.
Protein change: p.Arg359Pro; replaces arginine 359 with proline.
Molecular consequence: missense variant. On other transcripts: intron variant (7).
Genome position (GRCh38, 1-based): chr21:25,997,374, C>G on the plus strand (G>C on the coding strand, the complement: APP is on the minus strand). VCF-style: chr21-25997374-C-G. GRCh37 (hg19) VCF-style: chr21-27369689-C-G.
Other names: c.908G>C, p.Arg303Pro (NM_001136130.3, NM_001385253.1); c.1076G>C, p.Arg359Pro (NM_001204301.2); c.761-14897G>C (NM_001136131.3); c.698-14897G>C (NM_001136129.3); c.866-14897G>C (NM_001204303.2, NM_201414.3); c.1033+2641G>C (NM_001204302.2, NM_201413.3); c.1018+2641G>C (NM_001136016.3); short protein forms R359P, R303P.
Identifiers: ClinVar variation 391496 (VCV000391496.4), dbSNP rs1057524107, ClinGen allele CA9987433.

ClinVar aggregate classification (germline): Uncertain significance (1 of 4 stars; one submission).

Allele frequency attached by ClinVar (database versions not stated): ExAC 0.00001; gnomAD exomes below 0.00001.
gnomAD v4.1: 3 of 1,613,896 alleles (0.00019%); highest among the groups gnomAD compares: Non-Finnish European, 0.00025%; no homozygotes.

Submission:

GeneDx
Classification: Uncertain significance. Last evaluated: 2022-06-17. Review status: criteria provided, single submitter. Criteria: GeneDx Variant Classification Process June 2021. Collection method: clinical testing. Allele origin: germline. Affected: yes.
Comment: Not observed at significant frequency in large population cohorts (gnomAD); Has not been previously published as pathogenic or benign to our knowledge